The following is an entry in ClinVar:

ClinVar aggregate classification (germline): Uncertain significance (1 of 4 stars; one submission).

gnomAD v4.1: 4 of 1,612,850 alleles (0.00025%); highest among the groups gnomAD compares: Admixed American, 0.005%; no homozygotes.

Submission:

Labcorp Genetics (formerly Invitae), Labcorp
Classification: Uncertain significance. Last evaluated: 2025-03-31. Review status: criteria provided, single submitter. Criteria: Invitae Variant Classification Sherloc (09022015). Collection method: clinical testing. Allele origin: germline.
Comment: This sequence change replaces threonine, which is neutral and polar, with arginine, which is basic and polar, at codon 461 of the LIPG protein (p.Thr461Arg). This variant is present in population databases (rs202190556, gnomAD 0.006%). This variant has not been reported in the literature in individuals affected with LIPG-related conditions. An algorithm developed to predict the effect of missense changes on protein structure and function (PolyPhen-2) suggests that this variant is likely to be disruptive. In summary, the available evidence is currently insufficient to determine the role of this variant in disease. Therefore, it has been classified as a Variant of Uncertain Significance.

NM_006033.4(LIPG):c.1382C>G (p.Thr461Arg)

Gene: LIPG (lipase G, endothelial type; plus strand). Cytogenetic location: 18q21.1.
Variant type: single nucleotide variant.
Coding change: c.1382C>G on transcript NM_006033.4 (MANE Select); coding-DNA position 1382, C replaced by G.
Protein change: p.Thr461Arg; replaces threonine 461 with arginine.
Molecular consequence: missense variant.
Genome position (GRCh38, 1-based): chr18:49,586,751, C>G. VCF-style: chr18-49586751-C-G. GRCh37 (hg19) VCF-style: chr18-47113121-C-G.
Other names: c.1160C>G, p.Thr387Arg (NM_001308006.2); short protein forms T387R, T461R.
Identifiers: ClinVar variation 3607508 (VCV003607508.2).
Genomic context (GRCh38, chr18:49,586,751, plus strand): 5'-CAGCTGGATTCCCCCTAAAGTTCTGCCTACATCAGTGGTTTCTTTTCCCTCCTAGACTGA[C>G]ATTTTGTACAGAAGACCCTGAGAACACCAGCATATCCCCAGGCCGGGAGCTCTGGTTTCG-3'
Protein context (NP_006024.1, residues 451-471): VKSGETQRKL[Thr461Arg]FCTEDPENTS